The following is an entry in ClinVar:

NM_003000.3(SDHB):c.408A>C (p.Ile136=)

Gene: SDHB (succinate dehydrogenase complex iron sulfur subunit B; minus strand). Cytogenetic location: 1p36.13.
Variant type: single nucleotide variant.
Coding change: c.408A>C on transcript NM_003000.3 (MANE Select); coding-DNA position 408, A replaced by C.
Protein change: p.Ile136=; no amino-acid change (isoleucine 136 retained).
Molecular consequence: synonymous variant. On other transcripts: intron variant (1).
Genome position (GRCh38, 1-based): chr1:17,028,615, T>G on the plus strand (A>C on the coding strand, the complement: SDHB is on the minus strand). VCF-style: chr1-17028615-T-G. GRCh37 (hg19) VCF-style: chr1-17355110-T-G.
Other names: c.369+39A>C (NM_001407361.1).
Identifiers: ClinVar variation 1949983 (VCV001949983.5), dbSNP rs2525020325, ClinGen allele CA416087510.
Genomic context (GRCh38, chr1:17,028,615, plus strand): 5'-CCCCCATGCAAATAAAAACAAAACCAGAGAGATGCAGAAACTCACGGGAACAAGATCCTT[T>G]ATCACATACATGTGTGGAAGAGGGTAGATTTTTGAGACCTTATTGAGGTTGGTGTCAATC-3'
Protein context (NP_002991.2, residues 126-146): KIYPLPHMYV[Ile136=]KDLVPDLSNF

ClinVar aggregate classification (germline): Uncertain significance (1 of 4 stars; one submission).

Conditions:
Pheochromocytoma. Also called: MAX-Related Hereditary Paraganglioma-Pheochromocytoma Syndrome. Identifiers: Orphanet 29072, MedGen C0031511, MONDO:0008233, OMIM 171300, HP:0002666.
Gastrointestinal stromal tumor. Also called: Gastrointestinal stromal tumor, somatic; Gastrointestinal stroma tumor. Identifiers: Orphanet 44890, MedGen C0238198, MeSH D046152, MONDO:0011719, OMIM 606764, HP:0100723.
Pheochromocytoma/paraganglioma syndrome 4. Also called: SDHB-Related Hereditary Paraganglioma-Pheochromocytoma Syndrome (Paragangliomas 4); SDHB-Related Hereditary Paraganglioma-Pheochromocytoma Syndrome; CAROTID BODY TUMORS AND MULTIPLE EXTRAADRENAL PHEOCHROMOCYTOMAS; PARAGANGLIOMA, FAMILIAL MALIGNANT; PARAGANGLIOMAS, HEREDITARY EXTRAADRENAL; PHEOCHROMOCYTOMA, FAMILIAL EXTRAADRENAL. Identifiers: Orphanet 29072, MedGen C1861848, MONDO:0007273, OMIM 115310.

Submission:

Labcorp Genetics (formerly Invitae), Labcorp
Classification: Uncertain significance for Gastrointestinal stromal tumor; Pheochromocytoma/paraganglioma syndrome 4; Pheochromocytoma. Last evaluated: 2022-08-20. Review status: criteria provided, single submitter. Criteria: Invitae Variant Classification Sherloc (09022015). Collection method: clinical testing. Allele origin: germline.
Comment: Algorithms developed to predict the effect of sequence changes on RNA splicing suggest that this variant may disrupt the consensus splice site. This variant has not been reported in the literature in individuals affected with SDHB-related conditions. This variant is not present in population databases (gnomAD no frequency). This sequence change affects codon 136 of the SDHB mRNA. It is a 'silent' change, meaning that it does not change the encoded amino acid sequence of the SDHB protein. In summary, the available evidence is currently insufficient to determine the role of this variant in disease. Therefore, it has been classified as a Variant of Uncertain Significance.